The following continues an entry in ClinVar:

NM_007294.4(BRCA1):c.5333-6T>G

Gene: BRCA1. ClinVar aggregate classification (germline): Pathogenic. Pathogenic (1).

Submissions 7 to 11 of 11:

Color Diagnostics, LLC DBA Color Health
Classification: Likely pathogenic for Hereditary cancer-predisposing syndrome. Last evaluated: 2023-11-16. Review status: criteria provided, single submitter. Criteria: ACMG Guidelines, 2015. Collection method: clinical testing. Allele origin: germline. Not counted in ClinVar's aggregate classification.
Comment: This variant causes a T to G nucleotide substitution at the -6 position of intron 20 of the BRCA1 gene. Splice site prediction tools predict that this variant may have a significant impact on RNA splicing. An RNA study has reported that this variant causes the out-of-frame skipping of exon 21 (PMID: 11802209) and this variant also has been reported in ClinVar to cause abnormal splicing (SCV002646843.1). A functional assay that required proper splicing for the measured activity has reported that this variant impacts BRCA1 function in a haploid cell proliferation assay (PMID: 30209399). Since this variant does not directly impact the coding sequence, the splicing prediction, RNA data and functional data could be interpreted together as evidence for a significant disruption in RNA processing. A multifactorial analysis has reported likelihood ratios for pathogenicity based on segregation and tumor pathology of 0.6846 and 3.73, respectively (PMID: 31131967). This variant has not been identified in the general population by the Genome Aggregation Database (gnomAD). Loss of BRCA1 function is a known mechanism of disease. Based on the available evidence, this variant is classified as Likely Pathogenic.

Baylor Genetics
Classification: Likely pathogenic for Breast-ovarian cancer, familial, susceptibility to, 1. Last evaluated: 2022-12-01. Review status: criteria provided, single submitter. Criteria: ACMG Guidelines, 2015. Collection method: clinical testing. Allele origin: unknown. Not counted in ClinVar's aggregate classification.

CeGaT Center for Human Genetics Tuebingen
Classification: Likely pathogenic. Last evaluated: 2021-06-01. Review status: criteria provided, single submitter. Criteria: CeGaT Center For Human Genetics Tuebingen Variant Classification Criteria Version 2. Collection method: clinical testing. Allele origin: germline. Affected: yes. Observed: 1 variant allele. Not counted in ClinVar's aggregate classification.

Brotman Baty Institute, University of Washington
No classification provided (evidence only). Condition: Breast-ovarian cancer, familial 1. Review status: no classification provided. Collection method: in vitro. Allele origin: not applicable. Functional consequence: functionally_abnormal. Not counted in ClinVar's aggregate classification.
ClinVar note: "not provided" was previously submitted as the classification for the variant. However, the classification appeared to be based only on an observation of functional data so it was converted to no classification on 2025-07-30.

ClinVar Staff, National Center for Biotechnology Information (NCBI)
No classification provided. Condition: Familial cancer of breast. Review status: no classification provided. Collection method: literature only. Allele origin: germline. Affected: yes. Not counted in ClinVar's aggregate classification.

Literature cited by the submitters: PubMed 11802209 (cited by 7 submitters); PubMed 30209399 (cited by 6 submitters); PubMed 31131967 (cited by 5 submitters).